The following is an entry in ClinVar:

ClinVar aggregate classification (germline): Uncertain significance (1 of 4 stars; one submission).

Conditions:
Norman-Roberts syndrome (LIS2). Also called: Lissencephaly 2 (Norman-Roberts type). Identifiers: Orphanet 89844, MedGen C0796089, MONDO:0009760, OMIM 257320.
Familial temporal lobe epilepsy 7. Identifiers: Orphanet 101046, MedGen C4225327, MONDO:0014639, OMIM 616436.

Submission:

Labcorp Genetics (formerly Invitae), Labcorp
Classification: Uncertain significance for Familial temporal lobe epilepsy 7; Norman-Roberts syndrome. Last evaluated: 2022-10-19. Review status: criteria provided, single submitter. Criteria: Invitae Variant Classification Sherloc (09022015). Collection method: clinical testing. Allele origin: germline.
Comment: This sequence change replaces proline, which is neutral and non-polar, with threonine, which is neutral and polar, at codon 2056 of the RELN protein (p.Pro2056Thr). This variant is not present in population databases (gnomAD no frequency). This variant has not been reported in the literature in individuals affected with RELN-related conditions. Advanced modeling of protein sequence and biophysical properties (such as structural, functional, and spatial information, amino acid conservation, physicochemical variation, residue mobility, and thermodynamic stability) performed at Invitae indicates that this missense variant is not expected to disrupt RELN protein function. In summary, the available evidence is currently insufficient to determine the role of this variant in disease. Therefore, it has been classified as a Variant of Uncertain Significance.

NM_005045.4(RELN):c.6166C>A (p.Pro2056Thr)

Gene: RELN (reelin; minus strand). Cytogenetic location: 7q22.1.
Variant type: single nucleotide variant.
Coding change: c.6166C>A on transcript NM_005045.4 (MANE Select); coding-DNA position 6166, C replaced by A.
Protein change: p.Pro2056Thr; replaces proline 2056 with threonine.
Molecular consequence: missense variant.
Genome position (GRCh38, 1-based): chr7:103,551,203, G>T on the plus strand (C>A on the coding strand, the complement: RELN is on the minus strand). VCF-style: chr7-103551203-G-T. GRCh37 (hg19) VCF-style: chr7-103191650-G-T.
Other names: c.6166C>A, p.Pro2056Thr (NM_173054.3); short protein forms P2056T.
Identifiers: ClinVar variation 1721886 (VCV001721886.5), dbSNP rs200409290, ClinGen allele CA368738295.